The following is an entry in ClinVar:

NM_000540.3(RYR1):c.11154_11155delinsTC (p.Glu3718_Asp3719delinsAspHis)

Gene: RYR1 (ryanodine receptor 1; plus strand). Cytogenetic location: 19q13.2.
Variant type: Indel.
Coding change: c.11154_11155delinsTC on transcript NM_000540.3 (MANE Select); coding-DNA positions 11154 to 11155, GG replaced by TC.
Protein change: p.Glu3718_Asp3719delinsAspHis.
Molecular consequence: missense variant.
Genome position (GRCh38, 1-based): chr19:38,532,502-38,532,503, GG replaced by TC. VCF-style: chr19-38532502-GG-TC. GRCh37 (hg19) VCF-style: chr19-39023142-GG-TC.
Other names: c.11139_11140delinsTC, p.Glu3713_Asp3714delinsAspHis (NM_001042723.2).
Identifiers: ClinVar variation 864401 (VCV000864401.5), dbSNP rs1971783338, ClinGen allele CA916082467.

ClinVar aggregate classification (germline): Uncertain significance (1 of 4 stars; one submission).

Conditions:
RYR1-related disorder. Also called: RYR1-related disorders; RYR1-related condition. Identifiers: MedGen CN239331.

Submission:

Labcorp Genetics (formerly Invitae), Labcorp
Classification: Uncertain significance for RYR1-related disorder. Last evaluated: 2023-11-17. Review status: criteria provided, single submitter. Criteria: Invitae Variant Classification Sherloc (09022015). Collection method: clinical testing. Allele origin: germline.
Comment: This variant, c.11154_11155delinsTC, is a complex sequence change that results in the deletion of 2 and insertion of 2 amino acid(s) in the RYR1 protein (p.Glu3718_Asp3719delinsAspHis). Information on the frequency of this variant in the gnomAD database is not available, as this variant may be reported differently in the database. This variant has not been reported in the literature in individuals affected with RYR1-related conditions. ClinVar contains an entry for this variant (Variation ID: 864401). Experimental studies and prediction algorithms are not available or were not evaluated, and the functional significance of this variant is currently unknown. In summary, the available evidence is currently insufficient to determine the role of this variant in disease. Therefore, it has been classified as a Variant of Uncertain Significance.